The following is an entry in ClinVar:

NM_020937.4(FANCM):c.5876T>C (p.Ile1959Thr)

Gene: FANCM (FA complementation group M; plus strand). Cytogenetic location: 14q21.2.
Variant type: single nucleotide variant.
Coding change: c.5876T>C on transcript NM_020937.4 (MANE Select); coding-DNA position 5876, T replaced by C.
Protein change: p.Ile1959Thr; replaces isoleucine 1959 with threonine.
Molecular consequence: missense variant.
Genome position (GRCh38, 1-based): chr14:45,198,803, T>C. VCF-style: chr14-45198803-T-C. GRCh37 (hg19) VCF-style: chr14-45668006-T-C.
Other names: c.5798T>C, p.Ile1933Thr (NM_001308133.2); short protein forms I1933T, I1959T.
Identifiers: ClinVar variation 4841730 (VCV004841730.1).

ClinVar aggregate classification (germline): Uncertain significance (1 of 4 stars; one submission).

Conditions:
Inborn genetic diseases. Identifiers: MedGen C0950123, MeSH D030342.

Submission:

Ambry Genetics
Classification: Uncertain significance for Inborn genetic diseases. Last evaluated: 2025-12-18. Review status: criteria provided, single submitter. Criteria: Ambry Variant Classification Scheme 2023. Collection method: clinical testing. Allele origin: germline.
Comment: The p.I1959T variant (also known as c.5876T>C), located in coding exon 22 of the FANCM gene, results from a T to C substitution at nucleotide position 5876. The isoleucine at codon 1959 is replaced by threonine, an amino acid with similar properties. This amino acid position is conserved. In addition, the in silico prediction for this alteration is inconclusive. Based on the available evidence, the clinical significance of this variant remains unclear.